The following is an entry in ClinVar:

ClinVar aggregate classification (germline): Conflicting classifications of pathogenicity. Review status: criteria provided, conflicting classifications (1 of 4 stars). 3 submissions from 3 submitters: Uncertain significance (2); Likely benign (1). Last evaluated 2024-08-14.

Allele frequency attached by ClinVar (database versions not stated): TOPMed 0.00003; gnomAD 0.00004 and 0.00005; ExAC 0.00005; gnomAD exomes 0.00006 and 0.00007; ESP Exome Variant Server 0.00008.
gnomAD v4.1: 101 of 1,609,760 alleles (0.0063%); highest among the groups gnomAD compares: Non-Finnish European, 0.0076%; no homozygotes.

Submissions (3):

Blueprint Genetics
Classification: Uncertain significance. Last evaluated: 2024-08-14. Review status: criteria provided, single submitter. Criteria: ACMG Guidelines, 2015. Collection method: clinical testing. Allele origin: germline.

Labcorp Genetics (formerly Invitae), Labcorp
Classification: Uncertain significance. Last evaluated: 2024-04-10. Review status: criteria provided, single submitter. Criteria: Invitae Variant Classification Sherloc (09022015). Collection method: clinical testing. Allele origin: germline.
Comment: This sequence change creates a premature translational stop signal (p.Gln727*) in the HGF gene. While this is not anticipated to result in nonsense mediated decay, it is expected to disrupt the last 2 amino acid(s) of the HGF protein. This variant is present in population databases (rs140790665, gnomAD 0.009%). This variant has not been reported in the literature in individuals affected with HGF-related conditions. ClinVar contains an entry for this variant (Variation ID: 504595). In summary, the available evidence is currently insufficient to determine the role of this variant in disease. Therefore, it has been classified as a Variant of Uncertain Significance.

Laboratory for Molecular Medicine, Mass General Brigham Personalized Medicine
Classification: Likely benign. Last evaluated: 2017-07-13. Review status: criteria provided, single submitter. Criteria: LMM Criteria. Collection method: clinical testing. Allele origin: germline. Observed: 1 variant allele.
Comment: p.Gln727X in exon 18 of HGF: This variant is not expected to have clinical signi ficance due to a lack of conservation across species, including mammals. Of note , 4 mammals (lesser Egyptian jerboa, prairie vole, mouse, and rat) have a termin ation codon at or before this position. This alteration occurs within the last e xon and is more likely to escape nonsense mediated decay (NMD) and result in a t runcated protein two amino acids shorter. The variant has also been identified i n 11/125782 European chromosomes by the Genome Aggregation Database (gnomAD; dbSNP rs140790665).

NM_000601.6(HGF):c.2179C>T (p.Gln727Ter)

Gene: HGF (hepatocyte growth factor; minus strand). Cytogenetic location: 7q21.11.
Variant type: single nucleotide variant.
Coding change: c.2179C>T on transcript NM_000601.6 (MANE Select); coding-DNA position 2179, C replaced by T.
Protein change: p.Gln727Ter; replaces glutamine 727 with a stop codon.
Molecular consequence: nonsense.
Genome position (GRCh38, 1-based): chr7:81,702,589, G>A on the plus strand (C>T on the coding strand, the complement: HGF is on the minus strand). VCF-style: chr7-81702589-G-A. GRCh37 (hg19) VCF-style: chr7-81331905-G-A.
Other names: c.2164C>T, p.Gln722Ter (NM_001010932.3); short protein forms Q727*, Q722*.
Identifiers: ClinVar variation 504595 (VCV000504595.10), dbSNP rs140790665, ClinGen allele CA4316704.
Genomic context (GRCh38, chr7:81,702,589, plus strand): 5'-TTCATGTAAAAGACAGTTGTATTGGTGGGTGCTTCAGACACACTTACTTCAGCTATGACT[G>A]TGGTACCTTATATGTTAAAATAATTTTGTGTATCCATTTTGCATAATATGCTACTCGGAC-3'